The following is an entry in ClinVar:

NM_006005.3(WFS1):c.1797C>A (p.Val599=)

Gene: WFS1 (wolframin ER transmembrane glycoprotein; plus strand). Cytogenetic location: 4p16.1.
Variant type: single nucleotide variant.
Coding change: c.1797C>A on transcript NM_006005.3 (MANE Select); coding-DNA position 1797, C replaced by A.
Protein change: p.Val599=; no amino-acid change (valine 599 retained).
Molecular consequence: synonymous variant.
Genome position (GRCh38, 1-based): chr4:6,301,592, C>A. VCF-style: chr4-6301592-C-A. GRCh37 (hg19) VCF-style: chr4-6303319-C-A.
Other names: p.V599V:GTC>GTA; p.Val599=; c.1797C>A, p.Val599= (NM_001145853.1).
Identifiers: ClinVar variation 137915 (VCV000137915.35), dbSNP rs71524361, ClinGen allele CA295797.

ClinVar aggregate classification (germline): Benign/Likely benign. Review status: criteria provided, multiple submitters, no conflicts (2 of 4 stars). 13 submissions from 12 submitters: Benign (9); Likely benign (1). 3 of the submissions do not count toward it. Last evaluated 2026-02-01.

Conditions:
WFS1-Related Spectrum Disorders.
Wolfram-like syndrome. Also called: HEARING LOSS, PROGRESSIVE, WITH OPTIC ATROPHY AND/OR IMPAIRED GLUCOSE REGULATION. Identifiers: Orphanet 411590, MedGen C3280358, MONDO:0013673, OMIM 614296.
Autosomal dominant nonsyndromic hearing loss 6 (LFSNHL). Also called: Autosomal dominant nonsyndromic deafness 6; DEAFNESS, AUTOSOMAL DOMINANT 6; DEAFNESS, AUTOSOMAL DOMINANT 14; DEAFNESS, AUTOSOMAL DOMINANT 38. Identifiers: Orphanet 90635, MedGen C1833021, MONDO:0010963, OMIM 600965.
Type 2 diabetes mellitus. Also called: Type II diabetes mellitus. Identifiers: MedGen C0011860, MeSH D003924, MONDO:0005148, OMIM 125853, HP:0005978.
Cataract 41 (CTRCT41). Also called: CATARACT 41, CONGENITAL NUCLEAR TYPE. Identifiers: Orphanet 91492, Orphanet 98991, Orphanet 98992, Orphanet 98995, MedGen C3805412, MONDO:0007287, OMIM 116400.
Wolfram syndrome 1 (WFS1). Identifiers: Orphanet 3463, MedGen C4551693, MONDO:0009101, OMIM 222300.

Allele frequency attached by ClinVar (database versions not stated): 1000 Genomes Project 0.01038; TOPMed 0.01094; 1000 Genomes Project 30x 0.01156; ESP Exome Variant Server 0.01215.
gnomAD v4.1: 3,166 of 1,614,162 alleles (0.2%); highest among the groups gnomAD compares: African/African-American, 3.6%; 54 homozygotes.

Submissions (13):

Labcorp Genetics (formerly Invitae), Labcorp
Classification: Benign. Last evaluated: 2026-02-01. Review status: criteria provided, single submitter. Criteria: Invitae Variant Classification Sherloc (09022015). Collection method: clinical testing. Allele origin: germline.

Mayo Clinic Laboratories, Mayo Clinic
Classification: Benign. Last evaluated: 2023-12-20. Review status: criteria provided, single submitter. Criteria: ACMG Guidelines, 2015. Collection method: clinical testing. Allele origin: germline. Observed: 5 variant alleles.
Comment: BA1, BS1, BS2, BP4, BP7

ARUP Laboratories, Molecular Genetics and Genomics, ARUP Laboratories
Classification: Benign. Last evaluated: 2022-03-23. Review status: criteria provided, single submitter. Criteria: ARUP Molecular Germline Variant Investigation Process 2021. Collection method: clinical testing. Allele origin: germline.

Fulgent Genetics
Classification: Likely benign for Cataract 41; Type 2 diabetes mellitus; Wolfram syndrome 1; Autosomal dominant nonsyndromic hearing loss 6; Wolfram-like syndrome. Last evaluated: 2021-09-27. Review status: criteria provided, single submitter. Criteria: ACMG Guidelines, 2015. Collection method: clinical testing. Allele origin: unknown.

Illumina Laboratory Services, Illumina
Classification: Benign for Autosomal dominant nonsyndromic hearing loss 6. Last evaluated: 2018-01-13. Review status: criteria provided, single submitter. Criteria: ICSL Variant Classification Criteria 13 December 2019. Collection method: clinical testing. Allele origin: germline.
Comment: This variant was observed in the ICSL laboratory as part of a predisposition screen in an ostensibly healthy population. It had not been previously curated by ICSL or reported in the Human Gene Mutation Database (HGMD: prior to June 1st, 2018), and was therefore a candidate for classification through an automated scoring system. Utilizing variant allele frequency, disease prevalence and penetrance estimates, and inheritance mode, an automated score was calculated to assess if this variant is too frequent to cause the disease. Based on the score and internal cut-off values, a variant classified as benign is not then subjected to further curation. The score for this variant resulted in a classification of benign for this disease.

Illumina Laboratory Services, Illumina
Classification: Benign for WFS1-Related Spectrum Disorders. Last evaluated: 2018-01-13. Review status: criteria provided, single submitter. Criteria: ICSL Variant Classification Criteria 13 December 2019. Collection method: clinical testing. Allele origin: germline.
Comment: the same text as in the submission from Illumina Laboratory Services, Illumina above.

GeneDx
Classification: Benign. Last evaluated: 2013-04-22. Review status: criteria provided, single submitter. Criteria: GeneDx Variant Classification (06012015). Collection method: clinical testing. Allele origin: germline. Affected: yes.
Comment: This variant is considered likely benign or benign based on one or more of the following criteria: it is a conservative change, it occurs at a poorly conserved position in the protein, it is predicted to be benign by multiple in silico algorithms, and/or has population frequency not consistent with disease.

Laboratory for Molecular Medicine, Mass General Brigham Personalized Medicine
Classification: Benign. Last evaluated: 2012-05-07. Review status: criteria provided, single submitter. Criteria: LMM Criteria. Collection method: clinical testing. Allele origin: germline. Observed: 15 variant alleles.
Comment: "Val599Val in Exon 08 of WFS1: This variant is not expected to have clinical sig nificance because it does not alter an amino acid residue, is not located within the splice consensus sequence, and has been identified in 3.3% (122/3738) of Af rican American chromosomes from a broad population by the NHLBI Exome Sequencing Project (dbSNP rs71524361)."

Breakthrough Genomics
Classification: Benign. Review status: criteria provided, single submitter. Criteria: ACMG Guidelines, 2015. Collection method: not provided. Allele origin: germline. Inheritance: Autosomal recessive inheritance. Affected: yes.

Clinical Genomics, Uppaluri K&H Personalized Medicine Clinic
Classification: Benign for Wolfram syndrome 1. Review status: criteria provided, single submitter. Criteria: K & H Uppaluri Personalized Medicine Clinic Variant Classification & Assertion Criteria_Updated V.1. Collection method: research. Allele origin: unknown. Inheritance: Autosomal recessive inheritance.
Comment: Potent mutations in WFS1 gene are associated with Wolfram's syndrome, an autosomal recessive condition, which cause diabetes mellitus, diabetes insipidus, deafness and optic atrophy. However no sufficient evidence is found to ascertain the role of this particular variant rs71524361 in Wolfram's syndrome yet.

Clinical Genetics DNA and cytogenetics Diagnostics Lab, Erasmus MC, Erasmus Medical Center
Classification: Likely benign. Review status: no assertion criteria provided. Collection method: clinical testing. Allele origin: germline. Affected: yes. Study: VKGL Data-share Consensus. Not counted in ClinVar's aggregate classification.

Joint Genome Diagnostic Labs from Nijmegen and Maastricht, Radboudumc and MUMC+
Classification: Benign. Review status: no assertion criteria provided. Collection method: clinical testing. Allele origin: germline. Affected: yes. Study: VKGL Data-share Consensus. Not counted in ClinVar's aggregate classification.

Laboratory of Diagnostic Genome Analysis, Leiden University Medical Center (LUMC)
Classification: Benign. Review status: no assertion criteria provided. Collection method: clinical testing. Allele origin: germline. Affected: yes. Study: VKGL Data-share Consensus. Not counted in ClinVar's aggregate classification.

Literature cited by the submitters: PubMed 20738327 (cited by Clinical Genomics, Uppaluri K&H Personalized Medicine Clinic); PubMed 33879153 (cited by Clinical Genomics, Uppaluri K&H Personalized Medicine Clinic); PubMed 12955714 (cited by Clinical Genomics, Uppaluri K&H Personalized Medicine Clinic); PubMed 18060660 (cited by Clinical Genomics, Uppaluri K&H Personalized Medicine Clinic); PubMed 20301750 (cited by Clinical Genomics, Uppaluri K&H Personalized Medicine Clinic); PubMed 17603484 (cited by Clinical Genomics, Uppaluri K&H Personalized Medicine Clinic).